The following is an entry in ClinVar:

ClinVar aggregate classification (germline): Pathogenic (1 of 4 stars; one submission).

Conditions:
Hereditary hyperekplexia. Identifiers: Orphanet 3197, MedGen C4084968, MONDO:0021022.

Submission:

Labcorp Genetics (formerly Invitae), Labcorp
Classification: Pathogenic for Hereditary hyperekplexia. Last evaluated: 2022-07-19. Review status: criteria provided, single submitter. Criteria: Invitae Variant Classification Sherloc (09022015). Collection method: clinical testing. Allele origin: germline.
Comment: This variant is not present in population databases (gnomAD no frequency). For these reasons, this variant has been classified as Pathogenic. ClinVar contains an entry for this variant (Variation ID: 1373698). This variant has not been reported in the literature in individuals affected with GLRA1-related conditions. This sequence change creates a premature translational stop signal (p.Leu126Cysfs*21) in the GLRA1 gene. It is expected to result in an absent or disrupted protein product. Loss-of-function variants in GLRA1 are known to be pathogenic (PMID: 20631190, 24108130).

Literature cited by the submitters: PubMed 20631190; PubMed 24108130.

NM_000171.4(GLRA1):c.376del (p.Leu126fs)

Gene: GLRA1 (glycine receptor alpha 1; minus strand). Cytogenetic location: 5q33.1.
Variant type: Deletion.
Coding change: c.376del on transcript NM_000171.4 (MANE Select); coding-DNA position 376, one base deleted (C; older notation c.376delC).
Protein change: p.Leu126fs; shifts the reading frame from leucine 126.
Molecular consequence: frameshift variant.
Genome position (GRCh38, 1-based): chr5:151,859,885, G deleted on the plus strand (C on the coding strand, the reverse complement: GLRA1 is on the minus strand); the first of 2 consecutive G bases (chr5:151,859,885-151,859,886); deleting either gives the same sequence. VCF-style (leftmost placement, unchanged base first): chr5-151859884-AG-A. GRCh37 (hg19) VCF-style: chr5-151239445-AG-A.
Other names: c.376del, p.Leu126fs (NM_001146040.2); c.127del, p.Leu43fs (NM_001292000.2); short protein forms L43fs, L126fs.
Identifiers: ClinVar variation 1373698 (VCV001373698.6), dbSNP rs2113359152, ClinGen allele CA2573139333.